The following is an entry in ClinVar:

NM_030943.4(AMN):c.1006G>A (p.Gly336Ser)

Genes: AMN (amnion associated transmembrane protein; plus strand), LOC130056554 (ATAC-STARR-seq lymphoblastoid silent region 6136; plus strand). Cytogenetic location: 14q32.32.
Variant type: single nucleotide variant.
Coding change: c.1006G>A on transcript NM_030943.4 (MANE Select); coding-DNA position 1006, G replaced by A.
Protein change: p.Gly336Ser; replaces glycine 336 with serine.
Molecular consequence: missense variant.
Genome position (GRCh38, 1-based): chr14:102,930,086, G>A. VCF-style: chr14-102930086-G-A. GRCh37 (hg19) VCF-style: chr14-103396423-G-A.
Other names: short protein forms G336S.
Identifiers: ClinVar variation 1420505 (VCV001420505.7), dbSNP rs1339571276, ClinGen allele CA391083228.

ClinVar aggregate classification (germline): Uncertain significance. Review status: criteria provided, multiple submitters, no conflicts (2 of 4 stars). 2 submissions from 2 submitters: Uncertain significance (2). Last evaluated 2023-10-28.

Conditions:
Imerslund-Grasbeck syndrome type 2. Also called: MEGALOBLASTIC ANEMIA, NORWEGIAN TYPE; Imerslund-Gräsbeck syndrome 2; Megaloblastic anemia 1, Norwegian type. Identifiers: MedGen C4016948, MONDO:0100157, OMIM 618882.
Imerslund-Grasbeck syndrome. Also called: Megaloblastic anemia due to inborn errors of metabolism; ENTEROCYTE COBALAMIN MALABSORPTION; ENTEROCYTE INTRINSIC FACTOR RECEPTOR, DEFECT OF; PERNICIOUS ANEMIA, JUVENILE, DUE TO SELECTIVE INTESTINAL MALABSORPTION OF VITAMIN B12, WITH PROTEINURIA; Imerslund-Gräsbeck syndrome. Identifiers: Orphanet 35858, MedGen C4551825, MONDO:0009853.

Allele frequency attached by ClinVar (database versions not stated): gnomAD exomes 0.00002.
gnomAD v4.1: 72 of 1,537,528 alleles (0.0047%); highest among the groups gnomAD compares: Non-Finnish European, 0.0061%; no homozygotes.

Submissions (2):

Labcorp Genetics (formerly Invitae), Labcorp
Classification: Uncertain significance for Imerslund-Grasbeck syndrome. Last evaluated: 2023-10-28. Review status: criteria provided, single submitter. Criteria: Invitae Variant Classification Sherloc (09022015). Collection method: clinical testing. Allele origin: germline.
Comment: This sequence change replaces glycine, which is neutral and non-polar, with serine, which is neutral and polar, at codon 336 of the AMN protein (p.Gly336Ser). This variant also falls at the last nucleotide of exon 9, which is part of the consensus splice site for this exon. This variant is present in population databases (no rsID available, gnomAD 0.004%). This variant has not been reported in the literature in individuals affected with AMN-related conditions. ClinVar contains an entry for this variant (Variation ID: 1420505). An algorithm developed to predict the effect of missense changes on protein structure and function (PolyPhen-2) suggests that this variant is likely to be disruptive. Variants that disrupt the consensus splice site are a relatively common cause of aberrant splicing (PMID: 17576681, 9536098). Algorithms developed to predict the effect of sequence changes on RNA splicing suggest that this variant may disrupt the consensus splice site. In summary, the available evidence is currently insufficient to determine the role of this variant in disease. Therefore, it has been classified as a Variant of Uncertain Significance.

Fulgent Genetics
Classification: Uncertain significance for Imerslund-Grasbeck syndrome type 2. Last evaluated: 2021-07-09. Review status: criteria provided, single submitter. Criteria: ACMG Guidelines, 2015. Collection method: clinical testing. Allele origin: unknown.

Literature cited by the submitters: PubMed 17576681 (cited by Labcorp Genetics (formerly Invitae), Labcorp); PubMed 9536098 (cited by Labcorp Genetics (formerly Invitae), Labcorp).